The following continues an entry in ClinVar:

NM_007294.4(BRCA1):c.1333G>C (p.Glu445Gln)

Gene: BRCA1. ClinVar aggregate classification (germline): Conflicting classifications of pathogenicity. Uncertain significance (7); Benign (1); Likely benign (2).

Submissions 7 to 13 of 13:

Color Diagnostics, LLC DBA Color Health
Classification: Uncertain significance for Hereditary cancer-predisposing syndrome. Last evaluated: 2024-05-09. Review status: criteria provided, single submitter. Criteria: ACMG Guidelines, 2015. Collection method: clinical testing. Allele origin: germline.
Comment: This missense variant replaces glutamic acid with glutamine at codon 445 of the BRCA1 protein. Computational prediction is inconclusive regarding the impact of this variant on protein structure and function. Functional studies have reported that this variant does not impact BRCA1 function in cisplatin and PARP inhibitor sensitivity and homology-directed DNA repair assays (PMID: 26689913, 32546644). This variant has been reported in at least four individuals affected with breast cancer and in suspected hereditary breast and ovarian cancer families (PMID: 26689913, 27062684, 29409476, 30613976, 31409081, 34981296, 35402282), and in a breast cancer case-control meta-analysis in 2/53459 unaffected individuals and absent in 60466 cases (PMID: 33471991; Leiden Open Variation Database DB-ID BRCA1_000141). This variant also has been reported in an individual affected with oligodendroglioma (PMID: 29625052) and in two individuals affected with Cowden syndrome or Bannayan-Riley-Ruvalcaba syndrome (PMID: 29684080). This variant has been identified in 7/250918 chromosomes in the general population by the Genome Aggregation Database (gnomAD). The available evidence is insufficient to determine the role of this variant in disease conclusively. Therefore, this variant is classified as a Variant of Uncertain Significance.

GeneDx
Classification: Uncertain significance. Last evaluated: 2023-12-11. Review status: criteria provided, single submitter. Criteria: GeneDx Variant Classification Process June 2021. Collection method: clinical testing. Allele origin: germline. Affected: yes.
Comment: In silico analysis supports that this missense variant has a deleterious effect on protein structure/function; Also known as 1452G>C; This variant is associated with the following publications: (PMID: 20858050, 31409081, 16518693, 16267036, 23704879, 15385441, 26689913, 27062684, 29409476, 29684080, 28529006, 32546644, 33471991, 20104584, 32377563, 20215511, 10426999, 9788437, 9582019, 9926942, 15343273, 31853058, 29625052, 34981296, 30613976, 34326862, 36451132, 35402282)

University of Washington Department of Laboratory Medicine, University of Washington
Classification: Likely benign for Hereditary cancer-predisposing syndrome. Last evaluated: 2023-03-23. Review status: criteria provided, single submitter. Criteria: Dines et al. (Genet Med. 2020). Collection method: curation. Allele origin: germline.
Comment: Missense variant in a coldspot region where missense variants are very unlikely to be pathogenic (PMID:31911673).

BRCA1 coldspot (exon 11 using historical exon numbering). Reclassification based on statistical prior probability

Women's Health and Genetics/Laboratory Corporation of America, LabCorp
Classification: Uncertain significance. Last evaluated: 2023-03-15. Review status: criteria provided, single submitter. Criteria: LabCorp Variant Classification Summary - May 2015. Collection method: clinical testing. Allele origin: germline.
Comment: Variant summary: BRCA1 c.1333G>C (p.Glu445Gln) results in a conservative amino acid change located in the BRCA1, serine-rich domain (IPR025994) of the encoded protein sequence. Three of five in-silico tools predict a damaging effect of the variant on protein function. The variant allele was found at a frequency of 2.8e-05 in 250918 control chromosomes (gnomAD). The available data on variant occurrences in the general population are insufficient to allow any conclusion about variant significance. c.1333G>C has been reported in the literature in individuals affected with Hereditary Breast and Ovarian Cancer (example: Abdel-Razeq_2018, Azzollini_2016, Coulet_2010, Judkins_2005, Machackova_2019, Rizzolo_2019). At-least one report of this variant co-occurring with a pathogenic variant (c.2062C>T, p.Gln688*) in the PTCH1 gene as an alternate molecular basis of disease in an individual with Gorlin syndrome has been reported (Paulo_2017). These report(s) do not provide unequivocal conclusions about association of the variant with Hereditary Breast and Ovarian Cancer. Multiple publications reported experimental evidence evaluating an impact on protein function, and demonstrated that the variant protein had comparable homology-directed repair (HDR) activity to the wild type (example: Lu_2015 and Bouwman_2020). Five ClinVar submissions from clinical diagnostic laboratories (evaluation after 2014) cite the variant as uncertain significance. Based on the evidence outlined above, the variant was classified as VUS-possibly benign.

Department of Medical and Surgical Sciences, University of Bologna
Classification: Benign for Breast-ovarian cancer, familial, susceptibility to, 1. Last evaluated: 2023-09-01. Review status: no assertion criteria provided. Collection method: clinical testing. Allele origin: germline. Affected: yes. Not counted in ClinVar's aggregate classification.
Comment: BS1(Supporting)+BS3(Strong)+BP1(Strong)+BP5(Strong) according to ACMG/AMP classification guidelines specified for BRCA1 & BRCA2 (Classification Criteria V1.0.0 2023-09-08) (PMID: 38160042)

KCCC/NGS Laboratory, Kuwait Cancer Control Center
Classification: Uncertain significance for Breast-ovarian cancer, familial, susceptibility to, 1. Last evaluated: 2023-05-05. Review status: no assertion criteria provided. Collection method: clinical testing. Allele origin: germline. Affected: yes. Not counted in ClinVar's aggregate classification.
Comment: The p.E445Q variant (also known as c.1333G>C), located in coding exon 9 of the BRCA1 gene, results from a G to C substitution at nucleotide position 1333. The glutamic acid at codon 445 is replaced by glutamine, an amino acid with highly similar properties. One study showed that this variant performed similarly to the wildtype in a homology-directed repair assay (Lu C et al. Nat Commun. 2015 Dec;6:10086). This alteration has been reported as a variant of unknown significance some published studies; however, no clinical or other supporting information is provided (Judkins T et al. Cancer Res. 2005 Nov;65:10096-103; Coulet F et al. Genet Test Mol Biomarkers. 2010 Oct;14:677-90). This variant has also been reported in 1/1854 hereditary breast and/or ovarian cancer families (Azzollini J Eur. J. Intern. Med. 2016 Jul;32:65-71). This amino acid position is poorly conserved in available vertebrate species. In addition, in silico analysis showed benign computational verdict based on 8 benign predictions from BayesDel_addAF, DANN, EIGEN, FATHMM-MKL, MVP and 3 more vs 5 pathogenic predictions from DEOGEN2, LIST-S2, M-CAP, MutationAssessor and SIFT and the position is not strongly conserved (GERP++ rejected substitutions = 0.761 is less than 5.5). This variant has an entry in ClinVar with 8 submissions all of which list it as uncertain significance. Therefore, this variant is classified as uncertain significance.

Breast Cancer Information Core (BIC) (BRCA1)
Classification: Uncertain significance for Breast-ovarian cancer, familial 1. Last evaluated: 2002-05-29. Review status: no assertion criteria provided. Collection method: clinical testing. Allele origin: germline. Affected: yes. Observed: 3 variant alleles. Not counted in ClinVar's aggregate classification.

Literature cited by the submitters: PubMed 26689913 (cited by 6 submitters); PubMed 27062684 (cited by 6 submitters); PubMed 29409476 (cited by 6 submitters); PubMed 29625052 (cited by 5 submitters); PubMed 30613976 (cited by 6 submitters); PubMed 34981296 (cited by Labcorp Genetics (formerly Invitae), Labcorp and Color Diagnostics, LLC DBA Color Health); PubMed 32546644 (cited by 4 submitters); PubMed 20858050 (cited by Ambry Genetics and Women's Health and Genetics/Laboratory Corporation of America, LabCorp); PubMed 29684080 (cited by 3 submitters); PubMed 31409081 (cited by 5 submitters); PubMed 33471991 (cited by 4 submitters); PubMed 35402282 (cited by 3 submitters); PubMed 16267036 (cited by Quest Diagnostics Nichols Institute San Juan Capistrano and Women's Health and Genetics/Laboratory Corporation of America, LabCorp); PubMed 16518693 (cited by Quest Diagnostics Nichols Institute San Juan Capistrano and Women's Health and Genetics/Laboratory Corporation of America, LabCorp); PubMed 38709234 (cited by Quest Diagnostics Nichols Institute San Juan Capistrano); PubMed 34326862 (cited by Quest Diagnostics Nichols Institute San Juan Capistrano); PubMed 31911673 (cited by Quest Diagnostics Nichols Institute San Juan Capistrano); PubMed 28529006 (cited by Quest Diagnostics Nichols Institute San Juan Capistrano and Women's Health and Genetics/Laboratory Corporation of America, LabCorp); PubMed 20104584 (cited by KCCC/NGS Laboratory, Kuwait Cancer Control Center).